The following is an entry in ClinVar:

ClinVar aggregate classification (germline): Pathogenic (1 of 4 stars; one submission).

Conditions:
Polycystic kidney disease, adult type (PKD1). Also called: POLYCYSTIC KIDNEY DISEASE, ADULT, TYPE I; Polycystic Kidney Disease 1, Autosomal Dominant; Polycystic kidney disease 1; Polycystic kidney disease 1, severe; POLYCYSTIC KIDNEY DISEASE 1 WITH OR WITHOUT POLYCYSTIC LIVER DISEASE; Polycystic Kidney, Autosomal Dominant. Identifiers: MedGen C3149841, MONDO:0008263, OMIM 173900.

Submission:

MVZ Medizinische Genetik Mainz
Classification: Pathogenic for Polycystic kidney disease, adult type. Last evaluated: 2025-07-25. Review status: criteria provided, single submitter. Criteria: UK Practice Guidelines For Variant Classification V4 01 2020. Collection method: clinical testing. Allele origin: germline. Inheritance: Autosomal dominant inheritance. Affected: yes. Observed: 1 variant allele.
Comment: ACMG Criteria: PVS1,PM2_SUP,PP4

NM_001009944.3(PKD1):c.4201dup (p.Val1401fs)

Gene: PKD1 (polycystin 1, transient receptor potential channel interacting; minus strand). Cytogenetic location: 16p13.3.
Variant type: Duplication.
Coding change: c.4201dup on transcript NM_001009944.3 (MANE Select); coding-DNA position 4201, one base duplicated (G; older notation c.4201dupG).
Protein change: p.Val1401fs; shifts the reading frame from valine 1401.
Molecular consequence: frameshift variant.
Genome position (GRCh38, 1-based): chr16:2,110,966, C duplicated on the plus strand (G on the coding strand, the reverse complement: PKD1 is on the minus strand); the first of 2 consecutive C bases (chr16:2,110,966-2,110,967); duplicating either gives the same sequence. VCF-style (leftmost placement, unchanged base first): chr16-2110965-A-AC. GRCh37 (hg19) VCF-style: chr16-2160966-A-AC.
Other names: c.4201dup, p.Val1401fs (NM_000296.4); short protein forms V1401fs.
Identifiers: ClinVar variation 4077078 (VCV004077078.1).